The following is an entry in ClinVar:

ClinVar aggregate classification (germline): Uncertain significance (1 of 4 stars; one submission).

Submission:

Labcorp Genetics (formerly Invitae), Labcorp
Classification: Uncertain significance. Last evaluated: 2023-11-20. Review status: criteria provided, single submitter. Criteria: Invitae Variant Classification Sherloc (09022015). Collection method: clinical testing. Allele origin: germline.
Comment: This sequence change replaces leucine, which is neutral and non-polar, with phenylalanine, which is neutral and non-polar, at codon 328 of the NEXMIF protein (p.Leu328Phe). This variant is not present in population databases (gnomAD no frequency). This variant has not been reported in the literature in individuals affected with NEXMIF-related conditions. An algorithm developed to predict the effect of missense changes on protein structure and function (PolyPhen-2) suggests that this variant is likely to be disruptive. In summary, the available evidence is currently insufficient to determine the role of this variant in disease. Therefore, it has been classified as a Variant of Uncertain Significance.

NM_001008537.3(NEXMIF):c.984G>C (p.Leu328Phe)

Gene: NEXMIF (neurite extension and migration factor; minus strand). Cytogenetic location: Xq13.3.
Variant type: single nucleotide variant.
Coding change: c.984G>C on transcript NM_001008537.3 (MANE Select); coding-DNA position 984, G replaced by C.
Protein change: p.Leu328Phe; replaces leucine 328 with phenylalanine.
Molecular consequence: missense variant.
Genome position (GRCh38, 1-based): chrX:74,743,573, C>G on the plus strand (G>C on the coding strand, the complement: NEXMIF is on the minus strand). VCF-style: chrX-74743573-C-G. GRCh37 (hg19) VCF-style: chrX-73963408-C-G.
Other names: short protein forms L328F.
Identifiers: ClinVar variation 2749893 (VCV002749893.3), dbSNP rs2519915979, ClinGen allele CA413671925.
Genomic context (GRCh38, chrX:74,743,573, plus strand): 5'-TCGCTTGGGGCAGGTAGTAAAGACGCTGGGAAAAAAGTTGAATTGGGCATCTTCCTGCAT[C>G]AAAAGAGTAGTCTTGTCTCGAACATTGTCCTGAAAGGATTCATATCGAATTTTCAGGGAG-3'
Protein context (NP_001008537.1, residues 318-338): QDNVRDKTTL[Leu328Phe]MQEDAQFNFF